The following is an entry in ClinVar:

NM_001100913.3(PACS2):c.7G>C (p.Glu3Gln)

Genes: BRF1 (BRF1 general transcription factor IIIB subunit; minus strand), PACS2 (phosphofurin acidic cluster sorting protein 2; plus strand). Cytogenetic location: 14q32.33.
Variant type: single nucleotide variant.
Coding change: c.7G>C on transcript NM_001100913.3 (MANE Select); coding-DNA position 7, G replaced by C.
Protein change: p.Glu3Gln; replaces glutamic acid 3 with glutamine.
Molecular consequence: missense variant. On other transcripts: intron variant (4).
Genome position (GRCh38, 1-based): chr14:105,314,925, G>C. VCF-style: chr14-105314925-G-C. GRCh37 (hg19) VCF-style: chr14-105781262-G-C.
Other names: c.7G>C, p.Glu3Gln (NM_015197.4); c.-162+397C>G (NM_001440451.1, NM_001242787.2, NM_001242786.2); c.-83+13946G>C (NM_001243127.3); short protein forms E3Q.
Identifiers: ClinVar variation 1441469 (VCV001441469.7), dbSNP rs1315973258, ClinGen allele CA391191394.

ClinVar aggregate classification (germline): Uncertain significance. Review status: criteria provided, multiple submitters, no conflicts (2 of 4 stars). 2 submissions from 2 submitters: Uncertain significance (2). Last evaluated 2024-10-30.

Conditions:
Developmental and epileptic encephalopathy, 66. Also called: EPILEPTIC ENCEPHALOPATHY, EARLY INFANTILE, 66. Identifiers: MedGen C4748070, MONDO:0054845, OMIM 618067.

Allele frequency attached by ClinVar (database versions not stated): TOPMed below 0.00001.

Submissions (2):

Labcorp Genetics (formerly Invitae), Labcorp
Classification: Uncertain significance. Last evaluated: 2024-10-30. Review status: criteria provided, single submitter. Criteria: Invitae Variant Classification Sherloc (09022015). Collection method: clinical testing. Allele origin: germline.
Comment: This sequence change replaces glutamic acid, which is acidic and polar, with glutamine, which is neutral and polar, at codon 3 of the PACS2 protein (p.Glu3Gln). The frequency data for this variant in the population databases is considered unreliable, as metrics indicate insufficient coverage at this position in the gnomAD database. This variant has not been reported in the literature in individuals affected with PACS2-related conditions. ClinVar contains an entry for this variant (Variation ID: 1441469). An algorithm developed to predict the effect of missense changes on protein structure and function (PolyPhen-2) suggests that this variant is likely to be disruptive. In summary, the available evidence is currently insufficient to determine the role of this variant in disease. Therefore, it has been classified as a Variant of Uncertain Significance.

Neuberg Centre For Genomic Medicine, NCGM
Classification: Uncertain significance for Developmental and epileptic encephalopathy, 66. Review status: criteria provided, single submitter. Criteria: ACMG Guidelines, 2015. Collection method: clinical testing. Allele origin: germline. Inheritance: Autosomal dominant inheritance. Affected: yes.
Comment: The missense variant c.7G>C (p.Glu3Gln) in the PACS2 gene has not been reported previously as a pathogenic variant nor as a benign variant, to our knowledge. The variant is absent in gnomAD Exomes. This variant has been reported to the ClinVar database as Uncertain Significance. However, no details are available for independent assessment. The amino acid Glutamic Acid at position 3 is changed to a Glutamine changing protein sequence and it might alter its composition and physico-chemical properties. Multiple lines of computational evidence (Polyphen - Benign/Damaging, SIFT - Damaging and MutationTaster - Disease causing) predict a damaging effect on protein structure and function for this variant. The amino acid change p.Glu3Gln in PACS2 is predicted as conserved by GERP++ and PhyloP across 100 vertebrates. For these reasons, this variant has been classified as Uncertain Significance.